The following is an entry in ClinVar:

NC_000017.10:g.(?_2541583)_(2573645_?)dup

Gene: PAFAH1B1 (platelet activating factor acetylhydrolase 1b regulatory subunit 1; plus strand). Cytogenetic location: 17p13.3.
Variant type: Duplication.
Identifiers: ClinVar variation 3243123 (VCV003243123.1).

ClinVar aggregate classification (germline): Uncertain significance (1 of 4 stars; one submission).

Submission:

Labcorp Genetics (formerly Invitae), Labcorp
Classification: Uncertain significance. Last evaluated: 2023-06-23. Review status: criteria provided, single submitter. Criteria: Invitae Variant Classification Sherloc (09022015). Collection method: clinical testing. Allele origin: unknown.
Comment: In summary, the available evidence is currently insufficient to determine the role of this variant in disease. Therefore, it has been classified as a Variant of Uncertain Significance. This variant has not been reported in the literature in individuals affected with PAFAH1B1-related conditions. This variant results in a copy number gain of the genomic region encompassing exon(s) 2-6 of the PAFAH1B1 gene. This region includes the initiator codon of the gene. This copy number gain extends beyond the assayed region for this gene and therefore may encompass additional genes. As the precise location of this event is unknown, it may be in tandem or it may be located elsewhere in the genome.